The following is an entry in ClinVar:

NM_006063.3(KLHL41):c.1562A>G (p.Lys521Arg)

Gene: KLHL41 (kelch like family member 41; plus strand). Cytogenetic location: 2q31.1.
Variant type: single nucleotide variant.
Coding change: c.1562A>G on transcript NM_006063.3 (MANE Select); coding-DNA position 1562, A replaced by G.
Protein change: p.Lys521Arg; replaces lysine 521 with arginine.
Molecular consequence: missense variant.
Genome position (GRCh38, 1-based): chr2:169,518,375, A>G. VCF-style: chr2-169518375-A-G. GRCh37 (hg19) VCF-style: chr2-170374885-A-G.
Other names: short protein forms K521R.
Identifiers: ClinVar variation 541705 (VCV000541705.17), dbSNP rs778003504, ClinGen allele CA1956701.

ClinVar aggregate classification (germline): Uncertain significance. Review status: criteria provided, multiple submitters, no conflicts (2 of 4 stars). 3 submissions from 3 submitters: Uncertain significance (3). Last evaluated 2024-10-29.

Conditions:
Nemaline myopathy 9 (NEM9). Identifiers: MedGen C3810384, MONDO:0014326, OMIM 615731.

Allele frequency attached by ClinVar (database versions not stated): ExAC 0.00001; gnomAD 0.00001; gnomAD exomes 0.00003; TOPMed 0.00003.
gnomAD v4.1: 24 of 1,605,904 alleles (0.0015%); highest among the groups gnomAD compares: Middle Eastern, 0.017%; no homozygotes.

Submissions (3):

Labcorp Genetics (formerly Invitae), Labcorp
Classification: Uncertain significance for Nemaline myopathy 9. Last evaluated: 2024-10-29. Review status: criteria provided, single submitter. Criteria: Invitae Variant Classification Sherloc (09022015). Collection method: clinical testing. Allele origin: germline.
Comment: This sequence change replaces lysine, which is basic and polar, with arginine, which is basic and polar, at codon 521 of the KLHL41 protein (p.Lys521Arg). This variant is present in population databases (rs778003504, gnomAD 0.02%). This variant has not been reported in the literature in individuals affected with KLHL41-related conditions. ClinVar contains an entry for this variant (Variation ID: 541705). An algorithm developed to predict the effect of missense changes on protein structure and function (PolyPhen-2) suggests that this variant¬†is likely to be tolerated. In summary, the available evidence is currently insufficient to determine the role of this variant in disease. Therefore, it has been classified as a Variant of Uncertain Significance.

GeneDx
Classification: Uncertain significance. Last evaluated: 2020-06-30. Review status: criteria provided, single submitter. Criteria: GeneDx Variant Classification Process June 2021. Collection method: clinical testing. Allele origin: germline. Affected: yes.
Comment: In silico analysis supports that this missense variant does not alter protein structure/function; Has not been previously published as pathogenic or benign to our knowledge

Mayo Clinic Laboratories, Mayo Clinic
Classification: Uncertain significance. Last evaluated: 2019-07-28. Review status: criteria provided, single submitter. Criteria: ACMG Guidelines, 2015. Collection method: clinical testing. Allele origin: germline.